The following is an entry in ClinVar:

ClinVar aggregate classification (germline): Pathogenic (1 of 4 stars; one submission).

Conditions:
Charcot-Marie-Tooth disease type 2. Also called: Charcot-Marie-Tooth type 2. Identifiers: Orphanet 64746, MedGen C0270914, MONDO:0018993.

Submission:

Labcorp Genetics (formerly Invitae), Labcorp
Classification: Pathogenic for Charcot-Marie-Tooth disease type 2. Last evaluated: 2022-11-05. Review status: criteria provided, single submitter. Criteria: Invitae Variant Classification Sherloc (09022015). Collection method: clinical testing. Allele origin: unknown.
Comment: This variant is a gross deletion of the genomic region encompassing exon(s) 9 of the AARS gene. This deletion is out-of-frame, and is expected to create a premature termination codon and result in an absent or disrupted protein product. Loss-of-function variants in AARS are known to be pathogenic (PMID: 25817015, 28493438, 34446925). For these reasons, this variant has been classified as Pathogenic. This variant has not been reported in the literature in individuals affected with AARS-related conditions.

Literature cited by the submitters: PubMed 25817015; PubMed 28493438; PubMed 34446925.

NC_000016.9:g.(?_70301542)_(70301732_?)del

Gene: AARS1 (alanyl-tRNA synthetase 1; minus strand). Cytogenetic location: 16q22.1.
Variant type: Deletion.
Identifiers: ClinVar variation 3243565 (VCV003243565.1).